The following is an entry in ClinVar:

ClinVar aggregate classification (germline): Uncertain significance (1 of 4 stars; one submission).

Conditions:
Hereditary cancer-predisposing syndrome. Also called: Tumor predisposition; Hereditary Cancer Syndrome; Hereditary neoplastic syndrome; Neoplastic Syndromes, Hereditary. Identifiers: Orphanet 140162, MedGen C0027672, MeSH D009386, MONDO:0015356.

Submission:

Ambry Genetics
Classification: Uncertain significance for Hereditary cancer-predisposing syndrome. Last evaluated: 2017-06-22. Review status: criteria provided, single submitter. Criteria: Ambry Variant Classification Scheme 2023. Collection method: clinical testing. Allele origin: germline.
Comment: The p.V51I variant (also known as c.151G>A), located in coding exon 3 of the SMARCE1 gene, results from a G to A substitution at nucleotide position 151. The valine at codon 51 is replaced by isoleucine, an amino acid with highly similar properties. This amino acid position is well conserved in available vertebrate species. In addition, this alteration is predicted to be tolerated by in silico analysis. Since supporting evidence is limited at this time, the clinical significance of this alteration remains unclear.

NM_003079.5(SMARCE1):c.151G>A (p.Val51Ile)

Gene: SMARCE1 (SWI/SNF related BAF chromatin remodeling complex subunit E1; minus strand). Cytogenetic location: 17q21.2.
Variant type: single nucleotide variant.
Coding change: c.151G>A on transcript NM_003079.5 (MANE Select); coding-DNA position 151, G replaced by A.
Protein change: p.Val51Ile; replaces valine 51 with isoleucine.
Molecular consequence: missense variant.
Genome position (GRCh38, 1-based): chr17:40,642,460, C>T on the plus strand (G>A on the coding strand, the complement: SMARCE1 is on the minus strand). VCF-style: chr17-40642460-C-T. GRCh37 (hg19) VCF-style: chr17-38798712-C-T.
Other names: short protein forms V51I.
Identifiers: ClinVar variation 486512 (VCV000486512.5), dbSNP rs1555606273, ClinGen allele CA399369538.